The following is an entry in ClinVar:

ClinVar aggregate classification (germline): Conflicting classifications of pathogenicity. Review status: criteria provided, conflicting classifications (1 of 4 stars). 6 submissions from 6 submitters: Likely pathogenic (2); Uncertain significance (4). Last evaluated 2025-10-20.

Conditions:
SPTB-related disorder. Also called: SPTB-Related Disorders; SPTB-related condition.

Allele frequency attached by ClinVar (database versions not stated): gnomAD exomes below 0.00001.

Submissions (6):

Mayo Clinic Laboratories, Mayo Clinic
Classification: Likely pathogenic. Last evaluated: 2025-10-20. Review status: criteria provided, single submitter. Criteria: ACMG Guidelines, 2015. Collection method: clinical testing. Allele origin: germline. Observed: 6 variant alleles.
Comment: PM1, PM2_moderate

Labcorp Genetics (formerly Invitae), Labcorp
Classification: Uncertain significance. Last evaluated: 2025-07-22. Review status: criteria provided, single submitter. Criteria: Invitae Variant Classification Sherloc (09022015). Collection method: clinical testing. Allele origin: germline.
Comment: This sequence change replaces arginine, which is basic and polar, with glutamine, which is neutral and polar, at codon 52 of the SPTB protein (p.Arg52Gln). This variant is present in population databases (no rsID available, gnomAD 0.006%). This missense change has been observed in individual(s) with pyropoikilocytosis (PMID: 24193021, 27292444). ClinVar contains an entry for this variant (Variation ID: 618395). An algorithm developed to predict the effect of missense changes on protein structure and function (PolyPhen-2) suggests that this variant is likely to be disruptive. This variant disrupts the p.Arg52 amino acid residue in SPTB. Other variant(s) that disrupt this residue have been determined to be pathogenic (PMID: 36035481, 37357001, 38434532; internal data). This suggests that this residue is clinically significant, and that variants that disrupt this residue are likely to be disease-causing. In summary, the available evidence is currently insufficient to determine the role of this variant in disease. Therefore, it has been classified as a Variant of Uncertain Significance.

Revvity Omics, Revvity
Classification: Uncertain significance. Last evaluated: 2024-08-02. Review status: criteria provided, single submitter. Criteria: ACMG Guidelines, 2015. Collection method: clinical testing. Allele origin: germline.

ARUP Laboratories, Molecular Genetics and Genomics, ARUP Laboratories
Classification: Uncertain significance. Last evaluated: 2024-04-23. Review status: criteria provided, single submitter. Criteria: ARUP Molecular Germline Variant Investigation Process 2024. Collection method: clinical testing. Allele origin: germline.

Blueprint Genetics
Classification: Likely pathogenic for SPTB-related disorders. Last evaluated: 2023-10-26. Review status: criteria provided, single submitter. Criteria: ACMG Guidelines, 2015. Collection method: clinical testing. Allele origin: germline. Affected: yes. Observed: 3 variant alleles.

GeneDx
Classification: Uncertain significance. Last evaluated: 2020-02-04. Review status: criteria provided, single submitter. Criteria: GeneDx Variant Classification Process June 2021. Collection method: clinical testing. Allele origin: germline. Affected: yes.
Comment: Identified in patients with hyperbilirubinaemia and elliptocytosis in published literature (Christensen et al., 2014; Agarwal et al., 2016); In silico analysis supports that this missense variant has a deleterious effect on protein structure/function; This variant is associated with the following publications: (PMID: 24193021, 27292444)

Literature cited by the submitters: PubMed 27292444 (cited by Mayo Clinic Laboratories, Mayo Clinic and Labcorp Genetics (formerly Invitae), Labcorp); PubMed 38556258 (cited by Mayo Clinic Laboratories, Mayo Clinic); PubMed 24193021 (cited by Labcorp Genetics (formerly Invitae), Labcorp); PubMed 36035481 (cited by Labcorp Genetics (formerly Invitae), Labcorp); PubMed 37357001 (cited by Labcorp Genetics (formerly Invitae), Labcorp); PubMed 38434532 (cited by Labcorp Genetics (formerly Invitae), Labcorp).

NM_001355436.2(SPTB):c.155G>A (p.Arg52Gln)

Gene: SPTB (spectrin beta, erythrocytic; minus strand). Cytogenetic location: 14q23.3.
Variant type: single nucleotide variant.
Coding change: c.155G>A on transcript NM_001355436.2 (MANE Select); coding-DNA position 155, G replaced by A.
Protein change: p.Arg52Gln; replaces arginine 52 with glutamine.
Molecular consequence: missense variant.
Genome position (GRCh38, 1-based): chr14:64,805,084, C>T on the plus strand (G>A on the coding strand, the complement: SPTB is on the minus strand). VCF-style: chr14-64805084-C-T. GRCh37 (hg19) VCF-style: chr14-65271802-C-T.
Other names: NM_000347.5:c.155G>A; c.155G>A, p.Arg52Gln (NM_001024858.4, NM_001355437.2); c.155G>A (NM_001355436.1); short protein forms R52Q.
Identifiers: ClinVar variation 618395 (VCV000618395.20), dbSNP rs1452760098, ClinGen allele CA390036242.